The following is an entry in ClinVar:

ClinVar aggregate classification (germline): Conflicting classifications of pathogenicity. Review status: criteria provided, conflicting classifications (1 of 4 stars). 2 submissions from 2 submitters: Uncertain significance (1); Likely benign (1). Last evaluated 2025-10-26.

Conditions:
Emery-Dreifuss muscular dystrophy 5, autosomal dominant (EDMD5). Also called: EMERY-DREIFUSS MUSCULAR DYSTROPHY 5. Identifiers: Orphanet 261, MedGen C2751805, MONDO:0013072, OMIM 612999.

Allele frequency attached by ClinVar (database versions not stated): ExAC 0.00002; gnomAD exomes 0.00002; gnomAD 0.00003; TOPMed 0.00008; 1000 Genomes Project 30x 0.00031.
gnomAD v4.1: 28 of 1,612,570 alleles (0.0017%); highest among the groups gnomAD compares: African/African-American, 0.036%; no homozygotes.

Submissions (2):

Labcorp Genetics (formerly Invitae), Labcorp
Classification: Uncertain significance for Emery-Dreifuss muscular dystrophy 5, autosomal dominant. Last evaluated: 2025-10-26. Review status: criteria provided, single submitter. Criteria: Invitae Variant Classification Sherloc (09022015). Collection method: clinical testing. Allele origin: germline.
Comment: This sequence change replaces leucine, which is neutral and non-polar, with valine, which is neutral and non-polar, at codon 2969 of the SYNE2 protein (p.Leu2969Val). This variant is present in population databases (rs773914389, gnomAD 0.02%). This variant has not been reported in the literature in individuals affected with SYNE2-related conditions. ClinVar contains an entry for this variant (Variation ID: 580423). An algorithm developed to predict the effect of missense changes on protein structure and function (PolyPhen-2) suggests that this variant is likely to be disruptive. In summary, the available evidence is currently insufficient to determine the role of this variant in disease. Therefore, it has been classified as a Variant of Uncertain Significance.

Revvity Omics, Revvity
Classification: Likely benign for Emery-Dreifuss muscular dystrophy 5, autosomal dominant. Last evaluated: 2024-06-21. Review status: criteria provided, single submitter. Criteria: ACMG Guidelines, 2015. Collection method: clinical testing. Allele origin: germline.

NM_182914.3(SYNE2):c.8905C>G (p.Leu2969Val)

Gene: SYNE2 (spectrin repeat containing nuclear envelope protein 2; plus strand). Cytogenetic location: 14q23.2.
Variant type: single nucleotide variant.
Coding change: c.8905C>G on transcript NM_182914.3 (MANE Select); coding-DNA position 8905, C replaced by G.
Protein change: p.Leu2969Val; replaces leucine 2969 with valine.
Molecular consequence: missense variant.
Genome position (GRCh38, 1-based): chr14:64,052,818, C>G. VCF-style: chr14-64052818-C-G. GRCh37 (hg19) VCF-style: chr14-64519536-C-G.
Other names: c.8905C>G, p.Leu2969Val (NM_015180.6); short protein forms L2969V.
Identifiers: ClinVar variation 580423 (VCV000580423.11), dbSNP rs773914389, ClinGen allele CA7221186.
Genomic context (GRCh38, chr14:64,052,818, plus strand): 5'-CATGAAAAAACATCAGCGCTTCAGGAGGAGGCTGACAGTATACAGCGCAATGAACTATTA[C>G]TTAATCAAGAAGTAAATAAAGGTGTTAAAGAGGAGATCTATAATCTTAAAGACAGACTCA-3'
Protein context (NP_878918.2, residues 2959-2979): ADSIQRNELL[Leu2969Val]NQEVNKGVKE